The following is an entry in ClinVar:

ClinVar aggregate classification (germline): Benign/Likely benign. Review status: criteria provided, multiple submitters, no conflicts (2 of 4 stars). 2 submissions from 2 submitters: Benign (1); Likely benign (1). Last evaluated 2025-07-23.

Allele frequency attached by ClinVar (database versions not stated): gnomAD exomes 0.00013 and 0.00047; TOPMed 0.00022; gnomAD 0.00024 and 0.00028; ExAC 0.00059; 1000 Genomes Project 30x 0.00094; 1000 Genomes Project 0.00120.
gnomAD v4.1: 227 of 1,578,726 alleles (0.014%); highest among the groups gnomAD compares: East Asian, 0.49%; 1 homozygote.

Submissions (2):

Labcorp Genetics (formerly Invitae), Labcorp
Classification: Benign. Last evaluated: 2025-07-23. Review status: criteria provided, single submitter. Criteria: Invitae Variant Classification Sherloc (09022015). Collection method: clinical testing. Allele origin: germline.

GeneDx
Classification: Likely benign. Last evaluated: 2017-06-23. Review status: criteria provided, single submitter. Criteria: GeneDx Variant Classification (06012015). Collection method: clinical testing. Allele origin: germline. Affected: yes.
Comment: This variant is considered likely benign or benign based on one or more of the following criteria: it is a conservative change, it occurs at a poorly conserved position in the protein, it is predicted to be benign by multiple in silico algorithms, and/or has population frequency not consistent with disease.

NM_021100.5(NFS1):c.791-9G>T

Gene: NFS1 (NFS1 cysteine desulfurase; minus strand). Cytogenetic location: 20q11.22.
Variant type: single nucleotide variant.
Coding change: c.791-9G>T on transcript NM_021100.5 (MANE Select); 9 bases into the intron before coding-DNA position 791, G replaced by T.
Molecular consequence: intron variant.
Genome position (GRCh38, 1-based): chr20:35,675,211, C>A on the plus strand (G>T on the coding strand, the complement: NFS1 is on the minus strand). VCF-style: chr20-35675211-C-A. GRCh37 (hg19) VCF-style: chr20-34263133-C-A.
Other names: c.638-9G>T (NM_001198989.2).
Identifiers: ClinVar variation 517995 (VCV000517995.6), dbSNP rs199843651, ClinGen allele CA9837144.